The following is an entry in ClinVar:

ClinVar aggregate classification (germline): Uncertain significance. Review status: criteria provided, multiple submitters, no conflicts (2 of 4 stars). 3 submissions from 3 submitters: Uncertain significance (3). Last evaluated 2025-10-22.

Conditions:
Inborn genetic diseases. Identifiers: MedGen C0950123, MeSH D030342.

Allele frequency attached by ClinVar (database versions not stated): gnomAD exomes 0.00001; ExAC 0.00002.
gnomAD v4.1: 8 of 1,602,738 alleles (0.0005%); highest among the groups gnomAD compares: Admixed American, 0.012%; no homozygotes.

Submissions (3):

Labcorp Genetics (formerly Invitae), Labcorp
Classification: Uncertain significance. Last evaluated: 2025-10-22. Review status: criteria provided, single submitter. Criteria: Invitae Variant Classification Sherloc (09022015). Collection method: clinical testing. Allele origin: germline.
Comment: This sequence change replaces glutamine, which is neutral and polar, with arginine, which is basic and polar, at codon 1282 of the MYH14 protein (p.Gln1282Arg). This variant is present in population databases (rs774235490, gnomAD 0.02%). This variant has not been reported in the literature in individuals affected with MYH14-related conditions. ClinVar contains an entry for this variant (Variation ID: 2211953). Invitae Evidence Modeling of protein sequence and biophysical properties (such as structural, functional, and spatial information, amino acid conservation, physicochemical variation, residue mobility, and thermodynamic stability) indicates that this missense variant is not expected to disrupt MYH14 protein function with a negative predictive value of 80%. In summary, the available evidence is currently insufficient to determine the role of this variant in disease. Therefore, it has been classified as a Variant of Uncertain Significance.

GeneDx
Classification: Uncertain significance. Last evaluated: 2023-09-13. Review status: criteria provided, single submitter. Criteria: GeneDx Variant Classification Process June 2021. Collection method: clinical testing. Allele origin: germline. Affected: yes.
Comment: In silico analysis supports that this missense variant does not alter protein structure/function; Has not been previously published as pathogenic or benign to our knowledge

Ambry Genetics
Classification: Uncertain significance for Inborn genetic diseases. Last evaluated: 2021-07-15. Review status: criteria provided, single submitter. Criteria: Ambry Variant Classification Scheme 2023. Collection method: clinical testing. Allele origin: germline.

NM_001145809.2(MYH14):c.3968A>G (p.Gln1323Arg)

Gene: MYH14 (myosin heavy chain 14; plus strand). Cytogenetic location: 19q13.33.
Variant type: single nucleotide variant.
Coding change: c.3968A>G on transcript NM_001145809.2 (MANE Select); coding-DNA position 3968, A replaced by G.
Protein change: p.Gln1323Arg; replaces glutamine 1323 with arginine.
Molecular consequence: missense variant.
Genome position (GRCh38, 1-based): chr19:50,278,225, A>G. VCF-style: chr19-50278225-A-G. GRCh37 (hg19) VCF-style: chr19-50781482-A-G.
Other names: c.3869A>G, p.Gln1290Arg (NM_001077186.2); c.3845A>G, p.Gln1282Arg (NM_024729.4); short protein forms Q1282R, Q1290R, Q1323R.
Identifiers: ClinVar variation 2211953 (VCV002211953.6), dbSNP rs774235490, ClinGen allele CA9593383.